The following is an entry in ClinVar:

NM_005591.4(MRE11):c.1341A>T (p.Ser447=)

Gene: MRE11 (MRE11 double strand break repair nuclease; minus strand). Cytogenetic location: 11q21.
Variant type: single nucleotide variant.
Coding change: c.1341A>T on transcript NM_005591.4 (MANE Select); coding-DNA position 1341, A replaced by T.
Protein change: p.Ser447=; no amino-acid change (serine 447 retained).
Molecular consequence: synonymous variant.
Genome position (GRCh38, 1-based): chr11:94,459,567, T>A on the plus strand (A>T on the coding strand, the complement: MRE11 is on the minus strand). VCF-style: chr11-94459567-T-A. GRCh37 (hg19) VCF-style: chr11-94192733-T-A.
Other names: c.1341A>T, p.Ser447= (NM_001330347.2, NM_005590.4).
Identifiers: ClinVar variation 414693 (VCV000414693.15), dbSNP rs762323327, ClinGen allele CA6235088.

ClinVar aggregate classification (germline): Conflicting classifications of pathogenicity. Review status: criteria provided, conflicting classifications (1 of 4 stars). 2 submissions from 2 submitters: Uncertain significance (1); Likely benign (1). Last evaluated 2024-04-09.

Conditions:
Ataxia-telangiectasia-like disorder (ATLD). Identifiers: MedGen C1858391, MONDO:0011457.
Hereditary cancer-predisposing syndrome. Also called: Neoplastic Syndromes, Hereditary; Tumor predisposition; Hereditary Cancer Syndrome; Hereditary neoplastic syndrome. Identifiers: Orphanet 140162, MedGen C0027672, MeSH D009386, MONDO:0015356.

Allele frequency attached by ClinVar (database versions not stated): ExAC 0.00001; gnomAD 0.00001; TOPMed 0.00001; gnomAD exomes 0.00002.
gnomAD v4.1: 34 of 1,613,798 alleles (0.0021%); highest among the groups gnomAD compares: Non-Finnish European, 0.0029%; no homozygotes.

Submissions (2):

Ambry Genetics
Classification: Uncertain significance for Hereditary cancer-predisposing syndrome. Last evaluated: 2024-04-09. Review status: criteria provided, single submitter. Criteria: Ambry Variant Classification Scheme 2023. Collection method: clinical testing. Allele origin: germline.
Comment: The c.1341A>T variant (also known as p.S447S), located in coding exon 12 of the MRE11A gene, results from an A to T substitution at nucleotide position 1341. This nucleotide substitution does not change the serine at codon 447. This nucleotide position is not well conserved in available vertebrate species. In silico splice site analysis predicts that this alteration may result in the creation or strengthening of a novel splice acceptor site; however, direct evidence is unavailable. Since supporting evidence is limited at this time, the clinical significance of this alteration remains unclear.

Labcorp Genetics (formerly Invitae), Labcorp
Classification: Likely benign for Ataxia-telangiectasia-like disorder. Last evaluated: 2020-11-13. Review status: criteria provided, single submitter. Criteria: Invitae Variant Classification Sherloc (09022015). Collection method: clinical testing. Allele origin: germline.